The following is an entry in ClinVar:

ClinVar aggregate classification (germline): Likely benign (1 of 4 stars; one submission).

Allele frequency attached by ClinVar (database versions not stated): TOPMed 0.00001.
gnomAD v4.1: 3 of 1,606,546 alleles (0.00019%); highest among the groups gnomAD compares: African/African-American, 0.0013%; no homozygotes.

Submission:

CeGaT Center for Human Genetics Tuebingen
Classification: Likely benign. Last evaluated: 2023-01-01. Review status: criteria provided, single submitter. Criteria: CeGaT Center For Human Genetics Tuebingen Variant Classification Criteria Version 2. Collection method: clinical testing. Allele origin: germline. Affected: yes. Observed: 1 variant allele.
Comment: MED25: BP4, BP7

NM_030973.4(MED25):c.735C>T (p.Val245=)

Gene: MED25 (mediator complex subunit 25; plus strand). Cytogenetic location: 19q13.33.
Variant type: single nucleotide variant.
Coding change: c.735C>T on transcript NM_030973.4 (MANE Select); coding-DNA position 735, C replaced by T.
Protein change: p.Val245=; no amino-acid change (valine 245 retained).
Molecular consequence: synonymous variant.
Genome position (GRCh38, 1-based): chr19:49,830,134, C>T. VCF-style: chr19-49830134-C-T. GRCh37 (hg19) VCF-style: chr19-50333391-C-T.
Other names: c.735C>T, p.Val245= (NM_001378355.1).
Identifiers: ClinVar variation 2650287 (VCV002650287.24), dbSNP rs774587834, ClinGen allele CA406913930.